The following is an entry in ClinVar:

ClinVar aggregate classification (germline): Uncertain significance. Review status: criteria provided, multiple submitters, no conflicts (2 of 4 stars). 2 submissions from 2 submitters: Uncertain significance (2). Last evaluated 2025-06-08.

Conditions:
Fanconi anemia (FA). Also called: Fanconi's anemia. Identifiers: Orphanet 84, MedGen C0015625, MeSH D005199, MONDO:0019391.
Inborn genetic diseases. Identifiers: MedGen C0950123, MeSH D030342.

Allele frequency attached by ClinVar (database versions not stated): gnomAD exomes below 0.00001.
gnomAD v4.1: 1 of 1,613,206 alleles (0.000062%); highest among the groups gnomAD compares: Middle Eastern, 0.019%; no homozygotes.

Submissions (2):

Labcorp Genetics (formerly Invitae), Labcorp
Classification: Uncertain significance for Fanconi anemia. Last evaluated: 2025-06-08. Review status: criteria provided, single submitter. Criteria: Invitae Variant Classification Sherloc (09022015). Collection method: clinical testing. Allele origin: germline.
Comment: This sequence change replaces phenylalanine, which is neutral and non-polar, with valine, which is neutral and non-polar, at codon 533 of the FANCD2 protein (p.Phe533Val). This variant is not present in population databases (gnomAD no frequency). This variant has not been reported in the literature in individuals affected with FANCD2-related conditions. ClinVar contains an entry for this variant (Variation ID: 2325278). Invitae Evidence Modeling of protein sequence and biophysical properties (such as structural, functional, and spatial information, amino acid conservation, physicochemical variation, residue mobility, and thermodynamic stability) indicates that this missense variant is expected to disrupt FANCD2 protein function with a positive predictive value of 80%. In summary, the available evidence is currently insufficient to determine the role of this variant in disease. Therefore, it has been classified as a Variant of Uncertain Significance.

Ambry Genetics
Classification: Uncertain significance for Inborn genetic diseases. Last evaluated: 2022-11-10. Review status: criteria provided, single submitter. Criteria: Ambry Variant Classification Scheme 2023. Collection method: clinical testing. Allele origin: germline.

NM_001018115.3(FANCD2):c.1597T>G (p.Phe533Val)

Genes: FANCD2 (FA complementation group D2; plus strand), LOC107303338 (3p25 FANCD2 Alu-mediated recombination region; plus strand). Cytogenetic location: 3p25.3.
Variant type: single nucleotide variant.
Coding change: c.1597T>G on transcript NM_001018115.3 (MANE Select); coding-DNA position 1597, T replaced by G.
Protein change: p.Phe533Val; replaces phenylalanine 533 with valine.
Molecular consequence: missense variant. On other transcripts: intron variant (1).
Genome position (GRCh38, 1-based): chr3:10,052,438, T>G. VCF-style: chr3-10052438-T-G. GRCh37 (hg19) VCF-style: chr3-10094122-T-G.
Other names: c.1597T>G, p.Phe533Val (NM_001319984.2, NM_001374254.1, NM_033084.6); c.1545+2933T>G (NM_001374253.1); short protein forms F533V.
Identifiers: ClinVar variation 2325278 (VCV002325278.3), dbSNP rs2469932989, ClinGen allele CA351740176.